The following is an entry in ClinVar:

ClinVar aggregate classification (germline): Uncertain significance (1 of 4 stars; one submission).

Conditions:
Familial hemophagocytic lymphohistiocytosis 5. Also called: STXBP2-Related Familial Hemophagocytic Lymphohistiocytosis (STXBP2-fHLH). Identifiers: Orphanet 540, MedGen C2751293, MONDO:0013135, OMIM 613101.

Submission:

Labcorp Genetics (formerly Invitae), Labcorp
Classification: Uncertain significance for Familial hemophagocytic lymphohistiocytosis 5. Last evaluated: 2022-07-11. Review status: criteria provided, single submitter. Criteria: Invitae Variant Classification Sherloc (09022015). Collection method: clinical testing. Allele origin: germline.
Comment: This variant is not present in population databases (gnomAD no frequency). In summary, the available evidence is currently insufficient to determine the role of this variant in disease. Therefore, it has been classified as a Variant of Uncertain Significance. Algorithms developed to predict the effect of missense changes on protein structure and function are either unavailable or do not agree on the potential impact of this missense change (SIFT: "Tolerated"; PolyPhen-2: "Probably Damaging"; Align-GVGD: "Class C0"). ClinVar contains an entry for this variant (Variation ID: 1515786). This variant has not been reported in the literature in individuals affected with STXBP2-related conditions. This sequence change replaces alanine, which is neutral and non-polar, with proline, which is neutral and non-polar, at codon 511 of the STXBP2 protein (p.Ala511Pro).

NM_006949.4(STXBP2):c.1531G>C (p.Ala511Pro)

Gene: STXBP2 (syntaxin binding protein 2; plus strand). Cytogenetic location: 19p13.2.
Variant type: single nucleotide variant.
Coding change: c.1531G>C on transcript NM_006949.4 (MANE Select); coding-DNA position 1531, G replaced by C.
Protein change: p.Ala511Pro; replaces alanine 511 with proline.
Molecular consequence: missense variant. On other transcripts: non-coding transcript variant (1).
Genome position (GRCh38, 1-based): chr19:7,647,240, G>C. VCF-style: chr19-7647240-G-C. GRCh37 (hg19) VCF-style: chr19-7712126-G-C.
Other names: c.1522G>C, p.Ala508Pro (NM_001127396.3); c.1564G>C, p.Ala522Pro (NM_001272034.2); short protein forms A511P, A522P, A508P.
Identifiers: ClinVar variation 1515786 (VCV001515786.6), dbSNP rs138581300, ClinGen allele CA403161884.